The following is an entry in ClinVar:

NM_004656.4(BAP1):c.1729+8T>C

Gene: BAP1 (BRCA1 associated deubiquitinase 1; minus strand). Cytogenetic location: 3p21.1.
Variant type: single nucleotide variant.
Coding change: c.1729+8T>C on transcript NM_004656.4 (MANE Select); 8 bases into the intron after coding-DNA position 1729, T replaced by C.
Molecular consequence: intron variant.
Genome position (GRCh38, 1-based): chr3:52,403,408, A>G on the plus strand (T>C on the coding strand, the complement: BAP1 is on the minus strand). VCF-style: chr3-52403408-A-G. GRCh37 (hg19) VCF-style: chr3-52437424-A-G.
Other names: p.?; c.1729+8T>C (LRG_529t1).
Identifiers: ClinVar variation 240050 (VCV000240050.81), dbSNP rs150945583, ClinGen allele CA2436747.

ClinVar aggregate classification (germline): Benign/Likely benign. Review status: criteria provided, multiple submitters, no conflicts (2 of 4 stars). 23 submissions from 22 submitters: Benign (10); Likely benign (9). 4 of the submissions do not count toward it. Last evaluated 2026-08-01.

Conditions:
Kury-Isidor syndrome (KURIS). Identifiers: MedGen C5676925, MONDO:0859230, OMIM 619762.
BAP1-related tumor predisposition syndrome (TPDS1). Also called: COMMON Syndrome; TUMOR PREDISPOSITION SYNDROME 1; BAP1 tumor predisposition syndrome; Tumor susceptibility linked to germline BAP1 mutations. Identifiers: Orphanet 289539, MedGen C3280492, MONDO:0013692, OMIM 614327.
Melanoma, uveal, susceptibility to, 2 (UVM2). Also called: Melanoma, uveal 2. Identifiers: Orphanet 39044, MedGen C1847723, MONDO:0011696, OMIM 606661.
Hereditary cancer-predisposing syndrome. Also called: Hereditary neoplastic syndrome; Hereditary Cancer Syndrome; Neoplastic Syndromes, Hereditary; Tumor predisposition. Identifiers: Orphanet 140162, MedGen C0027672, MeSH D009386, MONDO:0015356.

Allele frequency attached by ClinVar (database versions not stated): 1000 Genomes Project 0.00300; 1000 Genomes Project 30x 0.00312; TOPMed 0.00338; gnomAD exomes 0.00347 and 0.00661; gnomAD 0.00364 and 0.00367; ExAC 0.00365; ESP Exome Variant Server 0.00554.
gnomAD v4.1: 10,107 of 1,613,504 alleles (0.63%); highest among the groups gnomAD compares: Non-Finnish European, 0.79%; 54 homozygotes.

Submissions (23):

CeGaT Center for Human Genetics Tuebingen
Classification: Likely benign. Last evaluated: 2026-08-01. Review status: criteria provided, single submitter. Criteria: CeGaT Center For Human Genetics Tuebingen Variant Classification Criteria Version 2. Collection method: clinical testing. Allele origin: germline. Affected: yes. Observed: 58 variant alleles.
Comment: BAP1: BP4, BS2

Labcorp Genetics (formerly Invitae), Labcorp
Classification: Benign for BAP1-related tumor predisposition syndrome. Last evaluated: 2026-02-04. Review status: criteria provided, single submitter. Criteria: Invitae Variant Classification Sherloc (09022015). Collection method: clinical testing. Allele origin: germline.

Dasa
Classification: Benign. Last evaluated: 2026-01-05. Review status: criteria provided, single submitter. Criteria: DASA Assertion Criteria. Collection method: clinical testing. Allele origin: germline.
Comment: NM_004656.4(BAP1):c.1729+8T>C is interpreted as benign based on a combination of available evidence, including population frequency, observations in unaffected individuals, and in silico models suggesting no deleterious effect. Based on the available data, this variant is classified as benign.

Quest Diagnostics Nichols Institute San Juan Capistrano
Classification: Benign. Last evaluated: 2025-06-03. Review status: criteria provided, single submitter. Criteria: Quest Diagnostics criteria. Collection method: clinical testing. Allele origin: unknown.

Mayo Clinic Laboratories, Mayo Clinic
Classification: Likely benign. Last evaluated: 2025-05-20. Review status: criteria provided, single submitter. Criteria: ACMG Guidelines, 2015. Collection method: clinical testing. Allele origin: germline. Observed: 4 variant alleles.
Comment: BS1, BP4, BP7

ARUP Laboratories, Molecular Genetics and Genomics, ARUP Laboratories
Classification: Likely benign. Last evaluated: 2025-04-09. Review status: criteria provided, single submitter. Criteria: ARUP Molecular Germline Variant Investigation Process 2024. Collection method: clinical testing. Allele origin: germline.

Center for Genomic Medicine, Rigshospitalet, Copenhagen University Hospital
Classification: Likely benign. Last evaluated: 2025-03-04. Review status: criteria provided, single submitter. Criteria: ACMG Guidelines, 2015. Collection method: clinical testing. Allele origin: germline.

KCCC/NGS Laboratory, Kuwait Cancer Control Center
Classification: Benign for BAP1-related tumor predisposition syndrome. Last evaluated: 2025-02-01. Review status: criteria provided, single submitter. Criteria: ACMG Guidelines, 2015. Collection method: clinical testing. Allele origin: germline. Affected: no.

Myriad Genetics, Inc.
Classification: Benign for BAP1-related tumor predisposition syndrome. Last evaluated: 2024-07-17. Review status: criteria provided, single submitter. Criteria: Myriad Autosomal Dominant, Autosomal Recessive and X-Linked Classification Criteria (2023). Collection method: clinical testing. Allele origin: unknown.
Comment: This variant is considered benign. This variant is intronic and is not expected to impact mRNA splicing. This variant has been observed at a population frequency that is significantly greater than expected given the associated disease prevalence and penetrance.

KCCC/NGS Laboratory, Kuwait Cancer Control Center
Classification: Benign for Melanoma, uveal, susceptibility to, 2. Last evaluated: 2023-07-07. Review status: criteria provided, single submitter. Criteria: ACMG Guidelines, 2015. Collection method: clinical testing. Allele origin: germline. Affected: yes.

Department of Pathology and Laboratory Medicine, Sinai Health System
Classification: Benign for Melanoma, uveal, susceptibility to, 2; BAP1-related tumor predisposition syndrome; Kury-Isidor syndrome. Last evaluated: 2022-10-06. Review status: criteria provided, single submitter. Criteria: ACMG Guidelines, 2015. Collection method: clinical testing. Allele origin: germline. Affected: yes.

Fulgent Genetics
Classification: Likely benign for BAP1-related tumor predisposition syndrome; Kury-Isidor syndrome. Last evaluated: 2022-03-22. Review status: criteria provided, single submitter. Criteria: ACMG Guidelines, 2015. Collection method: clinical testing. Allele origin: unknown.

Genetic Services Laboratory, University of Chicago
Classification: Likely benign. Last evaluated: 2021-12-30. Review status: criteria provided, single submitter. Criteria: ACMG Guidelines, 2015. Collection method: clinical testing. Allele origin: germline. Affected: no.

Sema4
Classification: Benign for Hereditary cancer-predisposing syndrome. Last evaluated: 2020-09-06. Review status: criteria provided, single submitter. Criteria: Sema4 Curation Guidelines. Collection method: curation. Allele origin: germline.

Eurofins Ntd Llc (ga)
Classification: Likely benign. Last evaluated: 2018-02-27. Review status: criteria provided, single submitter. Criteria: EGL ClinVar v180209 classification definitions. Collection method: clinical testing. Allele origin: germline. Observed: 1 variant allele, 1 heterozygote.

GeneDx
Classification: Likely benign. Last evaluated: 2017-10-20. Review status: criteria provided, single submitter. Criteria: GeneDx Variant Classification (06012015). Collection method: clinical testing. Allele origin: germline. Affected: yes.
Comment: This variant is considered likely benign or benign based on one or more of the following criteria: it is a conservative change, it occurs at a poorly conserved position in the protein, it is predicted to be benign by multiple in silico algorithms, and/or has population frequency not consistent with disease.

Color Diagnostics, LLC DBA Color Health
Classification: Benign for Hereditary cancer-predisposing syndrome. Last evaluated: 2016-03-09. Review status: criteria provided, single submitter. Criteria: ACMG Guidelines, 2015. Collection method: clinical testing. Allele origin: germline.

Ambry Genetics
Classification: Likely benign for Hereditary cancer-predisposing syndrome. Last evaluated: 2015-12-20. Review status: criteria provided, single submitter. Criteria: Ambry Variant Classification Scheme 2023. Collection method: clinical testing. Allele origin: germline.

PreventionGenetics, part of Exact Sciences
Classification: Benign. Review status: criteria provided, single submitter. Criteria: ACMG Guidelines, 2015. Collection method: clinical testing. Allele origin: germline.

Clinical Genetics DNA and cytogenetics Diagnostics Lab, Erasmus MC, Erasmus Medical Center
Classification: Likely benign. Review status: no assertion criteria provided. Collection method: clinical testing. Allele origin: germline. Affected: yes. Study: VKGL Data-share Consensus. Not counted in ClinVar's aggregate classification.

Genome Diagnostics Laboratory, Amsterdam University Medical Center
Classification: Likely benign. Review status: no assertion criteria provided. Collection method: clinical testing. Allele origin: germline. Affected: yes. Study: VKGL Data-share Consensus. Not counted in ClinVar's aggregate classification.

Joint Genome Diagnostic Labs from Nijmegen and Maastricht, Radboudumc and MUMC+
Classification: Benign. Review status: no assertion criteria provided. Collection method: clinical testing. Allele origin: germline. Affected: yes. Study: VKGL Data-share Consensus. Not counted in ClinVar's aggregate classification.

Laboratory of Diagnostic Genome Analysis, Leiden University Medical Center (LUMC)
Classification: Likely benign. Review status: no assertion criteria provided. Collection method: clinical testing. Allele origin: germline. Affected: yes. Study: VKGL Data-share Consensus. Not counted in ClinVar's aggregate classification.

Literature cited by the submitters: PubMed 31034483 (cited by Quest Diagnostics Nichols Institute San Juan Capistrano); PubMed 28551647 (cited by Quest Diagnostics Nichols Institute San Juan Capistrano).